The following is an entry in ClinVar:

ClinVar aggregate classification (germline): Benign/Likely benign. Review status: criteria provided, multiple submitters, no conflicts (2 of 4 stars). 4 submissions from 4 submitters: Benign (3); Likely benign (1). Last evaluated 2024-09-13.

Allele frequency attached by ClinVar (database versions not stated): gnomAD exomes 0.00031 and 0.00088; ExAC 0.00102; ESP Exome Variant Server 0.00237; gnomAD 0.00285 and 0.00296; TOPMed 0.00342; 1000 Genomes Project 30x 0.00499; 1000 Genomes Project 0.00503.
gnomAD v4.1: 669 of 1,180,965 alleles (0.057%); highest among the groups gnomAD compares: African/African-American, 0.98%; 3 homozygotes.

Submissions (4):

Blueprint Genetics
Classification: Likely benign. Last evaluated: 2024-09-13. Review status: criteria provided, single submitter. Criteria: ACMG Guidelines, 2015. Collection method: clinical testing. Allele origin: germline.

Mayo Clinic Laboratories, Mayo Clinic
Classification: Benign. Last evaluated: 2019-06-05. Review status: criteria provided, single submitter. Criteria: ACMG Guidelines, 2015. Collection method: clinical testing. Allele origin: germline. Observed: 2 variant alleles.

Eurofins Ntd Llc (ga)
Classification: Benign. Last evaluated: 2014-05-22. Review status: criteria provided, single submitter. Criteria: EGL Classification Definitions 2015. Collection method: clinical testing. Allele origin: germline. Observed: 2 variant alleles, 2 hemizygotes.

GeneDx
Classification: Benign. Last evaluated: 2013-03-16. Review status: criteria provided, single submitter. Criteria: GeneDx Variant Classification (06012015). Collection method: clinical testing. Allele origin: germline. Affected: yes.
Comment: This variant is considered likely benign or benign based on one or more of the following criteria: it is a conservative change, it occurs at a poorly conserved position in the protein, it is predicted to be benign by multiple in silico algorithms, and/or has population frequency not consistent with disease.

NM_001184880.2(PCDH19):c.*8T>C

Gene: PCDH19 (protocadherin 19; minus strand). Cytogenetic location: Xq22.1.
Variant type: single nucleotide variant.
Coding change: c.*8T>C on transcript NM_001184880.2 (MANE Select); 8 bases downstream of the stop codon, T replaced by C.
Molecular consequence: 3 prime UTR variant.
Genome position (GRCh38, 1-based): chrX:100,296,269, A>G on the plus strand (T>C on the coding strand, the complement: PCDH19 is on the minus strand). VCF-style: chrX-100296269-A-G. GRCh37 (hg19) VCF-style: chrX-99551267-A-G.
Other names: c.*8T>C (NM_001105243.2, NM_020766.3).
Identifiers: ClinVar variation 138595 (VCV000138595.8), dbSNP rs145987305, ClinGen allele CA303041.